The following is an entry in ClinVar:

NM_005539.5(INPP5A):c.609G>A (p.Ser203=)

Gene: INPP5A (inositol polyphosphate-5-phosphatase A; plus strand). Cytogenetic location: 10q26.3.
Variant type: single nucleotide variant.
Coding change: c.609G>A on transcript NM_005539.5 (MANE Select); coding-DNA position 609, G replaced by A.
Protein change: p.Ser203=; no amino-acid change (serine 203 retained).
Molecular consequence: synonymous variant.
Genome position (GRCh38, 1-based): chr10:132,710,418, G>A. VCF-style: chr10-132710418-G-A. GRCh37 (hg19) VCF-style: chr10-134523922-G-A.
Other names: c.417G>A, p.Ser139= (NM_001321042.2).
Identifiers: ClinVar variation 4681403 (VCV004681403.5).

ClinVar aggregate classification (germline): Likely benign (1 of 4 stars; one submission).

gnomAD v4.1: 58 of 1,613,916 alleles (0.0036%); highest among the groups gnomAD compares: African/African-American, 0.039%; no homozygotes.

Submission:

CeGaT Center for Human Genetics Tuebingen
Classification: Likely benign. Last evaluated: 2026-02-01. Review status: criteria provided, single submitter. Criteria: CeGaT Center For Human Genetics Tuebingen Variant Classification Criteria Version 2. Collection method: clinical testing. Allele origin: germline. Affected: yes. Observed: 1 variant allele.
Comment: INPP5A: BP4, BP7